The following is an entry in ClinVar:

NM_001256789.3(CACNA1F):c.1501C>T (p.Arg501Cys)

Gene: CACNA1F (calcium voltage-gated channel subunit alpha1 F; minus strand). Cytogenetic location: Xp11.23.
Variant type: single nucleotide variant.
Coding change: c.1501C>T on transcript NM_001256789.3 (MANE Select); coding-DNA position 1501, C replaced by T.
Protein change: p.Arg501Cys; replaces arginine 501 with cysteine.
Molecular consequence: missense variant.
Genome position (GRCh38, 1-based): chrX:49,226,059, G>A on the plus strand (C>T on the coding strand, the complement: CACNA1F is on the minus strand). VCF-style: chrX-49226059-G-A. GRCh37 (hg19) VCF-style: chrX-49082521-G-A.
Other names: c.1339C>T, p.Arg447Cys (NM_001256790.3); c.1534C>T, p.Arg512Cys (NM_005183.4); short protein forms R447C, R501C, R512C.
Identifiers: ClinVar variation 1523712 (VCV001523712.8), dbSNP rs782441666, ClinGen allele CA10410839.

ClinVar aggregate classification (germline): Uncertain significance (1 of 4 stars; one submission).

Allele frequency attached by ClinVar (database versions not stated): gnomAD exomes 0.00001; TOPMed 0.00002.
gnomAD v4.1: 10 of 1,189,062 alleles (0.00084%); highest among the groups gnomAD compares: South Asian, 0.011%; no homozygotes.

Submission:

Labcorp Genetics (formerly Invitae), Labcorp
Classification: Uncertain significance. Last evaluated: 2021-03-24. Review status: criteria provided, single submitter. Criteria: Invitae Variant Classification Sherloc (09022015). Collection method: clinical testing. Allele origin: germline.
Comment: In summary, the available evidence is currently insufficient to determine the role of this variant in disease. Therefore, it has been classified as a Variant of Uncertain Significance. This sequence change replaces arginine with cysteine at codon 512 of the CACNA1F protein (p.Arg512Cys). The arginine residue is moderately conserved and there is a large physicochemical difference between arginine and cysteine. The frequency data for this variant in the population databases is considered unreliable, as metrics indicate poor data quality at this position in the ExAC database. This variant has not been reported in the literature in individuals with CACNA1F-related conditions. Algorithms developed to predict the effect of missense changes on protein structure and function output the following: SIFT: "Tolerated"; PolyPhen-2: "Benign"; Align-GVGD: "Class C0". The cysteine amino acid residue is found in multiple mammalian species, suggesting that this missense change does not adversely affect protein function. These predictions have not been confirmed by published functional studies and their clinical significance is uncertain.